The following is an entry in ClinVar:

ClinVar aggregate classification (germline): Uncertain significance (1 of 4 stars; one submission).

gnomAD v4.1: 22 of 1,540,216 alleles (0.0014%); highest among the groups gnomAD compares: Non-Finnish European, 0.0017%; no homozygotes.

Submission:

GeneDx
Classification: Uncertain significance. Last evaluated: 2025-02-04. Review status: criteria provided, single submitter. Criteria: GeneDx Variant Classification Process June 2021. Collection method: clinical testing. Allele origin: germline. Affected: yes.
Comment: Not observed at significant frequency in large population cohorts (gnomAD); In silico analysis indicates that this missense variant does not alter protein structure/function; Has not been previously published as pathogenic or benign to our knowledge

NM_001163809.2(WDR81):c.266C>T (p.Thr89Ile)

Gene: WDR81 (WD repeat domain 81; plus strand). Cytogenetic location: 17p13.3.
Variant type: single nucleotide variant.
Coding change: c.266C>T on transcript NM_001163809.2 (MANE Select); coding-DNA position 266, C replaced by T.
Protein change: p.Thr89Ile; replaces threonine 89 with isoleucine.
Molecular consequence: missense variant. On other transcripts: intron variant (3).
Genome position (GRCh38, 1-based): chr17:1,725,225, C>T. VCF-style: chr17-1725225-C-T. GRCh37 (hg19) VCF-style: chr17-1628519-C-T.
Other names: c.-123-2765C>T (NM_152348.4); c.59-5155C>T (NM_001163673.2); c.-15+439C>T (NM_001163811.2); short protein forms T89I.
Identifiers: ClinVar variation 4072799 (VCV004072799.1).
Genomic context (GRCh38, chr17:1,725,225, plus strand): 5'-GCCGGCTGCCCCTGGGACCCTGTCCCCGCGCAGAGGGCCTGGGAGAAGCGGAAGTCAGGA[C>T]TCTCCTGCAGCGCTCTGTGCAAAGGCTGCCTGCCGGCTGGACGCGCGTGGAGGTGCATGG-3'
Protein context (NP_001157281.1, residues 79-99): AEGLGEAEVR[Thr89Ile]LLQRSVQRLP